The following is an entry in ClinVar:

ClinVar aggregate classification (germline): Uncertain significance (1 of 4 stars; one submission).

Conditions:
Hereditary cancer-predisposing syndrome. Also called: Tumor predisposition; Hereditary Cancer Syndrome; Hereditary neoplastic syndrome; Neoplastic Syndromes, Hereditary. Identifiers: Orphanet 140162, MedGen C0027672, MeSH D009386, MONDO:0015356.

Submission:

Ambry Genetics
Classification: Uncertain significance for Hereditary cancer-predisposing syndrome. Last evaluated: 2024-06-19. Review status: criteria provided, single submitter. Criteria: Ambry Variant Classification Scheme 2023. Collection method: clinical testing. Allele origin: germline.
Comment: The c.4479delGinsATTT variant (also known as p.T1493_E1494insF), located in coding exon 5 of the APC gene, results from an in-frame deletion of G and insertion of ATTT at nucleotide position 4479. This results in the substitution of threonine and glutamate residues for a phenylalanine residue at codon 1493 and 1494. This amino acid position is highly conserved in available vertebrate species. In addition, the in silico prediction for this alteration is inconclusive (Choi Y et al. PLoS ONE. 2012; 7(10):e46688). Based on the available evidence, the clinical significance of this variant remains unclear.

NM_000038.6(APC):c.4479delinsATTT (p.Thr1493_Glu1494insPhe)

Gene: APC (APC regulator of Wnt signaling pathway; plus strand). Cytogenetic location: 5q22.2.
Variant type: Indel.
Coding change: c.4479delinsATTT on transcript NM_000038.6 (MANE Select); coding-DNA position 4479, G replaced by ATTT.
Protein change: p.Thr1493_Glu1494insPhe.
Molecular consequence: inframe insertion. On other transcripts: non-coding transcript variant (2).
Genome position (GRCh38, 1-based): chr5:112,840,073, G replaced by ATTT. VCF-style: chr5-112840073-G-ATTT. GRCh37 (hg19) VCF-style: chr5-112175770-G-ATTT.
Other names: c.4479delinsATTT, p.Thr1493_Glu1494insPhe (NM_001127510.3, NM_001354895.2, NM_001407450.1); c.4425delinsATTT, p.Thr1475_Glu1476insPhe (NM_001127511.3); c.4533delinsATTT, p.Thr1511_Glu1512insPhe (NM_001354896.2, NM_001407447.1, NM_001407448.1 and 1 more transcripts); c.4509delinsATTT, p.Thr1503_Glu1504insPhe (NM_001354897.2); c.4404delinsATTT, p.Thr1468_Glu1469insPhe (NM_001354898.2); c.4395delinsATTT, p.Thr1465_Glu1466insPhe (NM_001354899.2); c.4356delinsATTT, p.Thr1452_Glu1453insPhe (NM_001354900.2); c.4302delinsATTT, p.Thr1434_Glu1435insPhe (NM_001354901.2, NM_001407453.1); and 11 more.
Identifiers: ClinVar variation 3305573 (VCV003305573.1).
Genomic context (GRCh38, chr5:112,840,073, plus strand): 5'-TGCTGCAGTTCAGAGGGTCCAGGTTCTTCCAGATGCTGATACTTTATTACATTTTGCCAC[G>ATTT]GAAAGTACTCCAGATGGATTTTCTTGTTCATCCAGCCTGAGTGCTCTGAGCCTCGATGAG-3'